The following is an entry in ClinVar:

NM_000095.3(COMP):c.1111T>A (p.Cys371Ser)

Gene: COMP (cartilage oligomeric matrix protein; minus strand). Cytogenetic location: 19p13.11.
Variant type: single nucleotide variant.
Coding change: c.1111T>A on transcript NM_000095.3 (MANE Select); coding-DNA position 1111, T replaced by A.
Protein change: p.Cys371Ser; replaces cysteine 371 with serine.
Molecular consequence: missense variant.
Genome position (GRCh38, 1-based): chr19:18,787,515, A>T on the plus strand (T>A on the coding strand, the complement: COMP is on the minus strand). VCF-style: chr19-18787515-A-T. GRCh37 (hg19) VCF-style: chr19-18898324-A-T.
Other names: short protein forms C371S.
Identifiers: ClinVar variation 3774931 (VCV003774931.1).

ClinVar aggregate classification (germline): Likely pathogenic (1 of 4 stars; one submission).

Submission:

GeneDx
Classification: Likely pathogenic. Last evaluated: 2024-09-12. Review status: criteria provided, single submitter. Criteria: GeneDx Variant Classification Process June 2021. Collection method: clinical testing. Allele origin: germline. Affected: yes.
Comment: Previously identified in a proband with multiple epiphyseal dysplasia (PMID: 9184241); In silico analysis supports that this missense variant has a deleterious effect on protein structure/function; Not observed at significant frequency in large population cohorts (gnomAD); This variant is associated with the following publications: (PMID: 9184241)